The following is an entry in ClinVar:

ClinVar aggregate classification (germline): Conflicting classifications of pathogenicity. Review status: criteria provided, conflicting classifications (1 of 4 stars). 2 submissions from 2 submitters: Uncertain significance (1); Likely benign (1). Last evaluated 2026-05-11.

Conditions:
MAP1B-related disorder. Also called: MAP1B-related condition.
Inborn genetic diseases. Identifiers: MedGen C0950123, MeSH D030342.

Allele frequency attached by ClinVar (database versions not stated): gnomAD 0.00003; TOPMed 0.00004; ExAC 0.00007; ESP Exome Variant Server 0.00008.
gnomAD v4.1: 42 of 1,614,064 alleles (0.0026%); highest among the groups gnomAD compares: South Asian, 0.018%; no homozygotes.

Submissions (2):

PreventionGenetics, part of Exact Sciences
Classification: Uncertain significance for MAP1B-related condition. Last evaluated: 2026-05-11. Review status: criteria provided, single submitter. Criteria: ACMG Guidelines, 2015. Collection method: clinical testing. Allele origin: germline.
Comment: The MAP1B c.4202C>T variant is predicted to result in the amino acid substitution p.Pro1401Leu. To our knowledge, this variant has not been reported in the literature. This variant is reported in 0.050% of alleles in individuals of East Asian descent in gnomAD. Although we suspect that this variant may be benign, at this time, the clinical significance of this variant is uncertain due to the absence of conclusive functional and genetic evidence.

Ambry Genetics
Classification: Likely benign for Inborn genetic diseases. Last evaluated: 2023-03-22. Review status: criteria provided, single submitter. Criteria: Ambry Variant Classification Scheme 2023. Collection method: clinical testing. Allele origin: germline.

NM_005909.5(MAP1B):c.4202C>T (p.Pro1401Leu)

Gene: MAP1B (microtubule associated protein 1B; plus strand). Cytogenetic location: 5q13.2.
Variant type: single nucleotide variant.
Coding change: c.4202C>T on transcript NM_005909.5 (MANE Select); coding-DNA position 4202, C replaced by T.
Protein change: p.Pro1401Leu; replaces proline 1401 with leucine.
Molecular consequence: missense variant.
Genome position (GRCh38, 1-based): chr5:72,197,557, C>T. VCF-style: chr5-72197557-C-T. GRCh37 (hg19) VCF-style: chr5-71493384-C-T.
Other names: c.3824C>T, p.Pro1275Leu (NM_001324255.2); c.4202C>T (NM_005909.4); short protein forms P1401L, P1275L.
Identifiers: ClinVar variation 2514616 (VCV002514616.3), dbSNP rs371181351, ClinGen allele CA3299126.